The following is an entry in ClinVar:

NM_001330288.2(SMARCC2):c.1966G>A (p.Glu656Lys)

Gene: SMARCC2 (SWI/SNF related BAF chromatin remodeling complex subunit C2; minus strand). Cytogenetic location: 12q13.2.
Variant type: single nucleotide variant.
Coding change: c.1966G>A on transcript NM_001330288.2 (MANE Select); coding-DNA position 1966, G replaced by A.
Protein change: p.Glu656Lys; replaces glutamic acid 656 with lysine.
Molecular consequence: missense variant.
Genome position (GRCh38, 1-based): chr12:56,171,898, C>T on the plus strand (G>A on the coding strand, the complement: SMARCC2 is on the minus strand). VCF-style: chr12-56171898-C-T. GRCh37 (hg19) VCF-style: chr12-56565682-C-T.
Other names: c.1966G>A, p.Glu656Lys (NM_001130420.3, NM_139067.4); c.1873G>A, p.Glu625Lys (NM_003075.5); short protein forms E625K, E656K.
Identifiers: ClinVar variation 5017679 (VCV005017679.1).

ClinVar aggregate classification (germline): Likely pathogenic (1 of 4 stars; one submission).

Submission:

GeneDx
Classification: Likely pathogenic. Last evaluated: 2026-03-31. Review status: criteria provided, single submitter. Criteria: GeneDx Variant Classification Process June 2021. Collection method: clinical testing. Allele origin: germline.
Comment: Not observed at significant frequency in large population cohorts (gnomAD); In silico analysis supports that this missense variant has a deleterious effect on protein structure/function; Has not been previously published as pathogenic or benign to our knowledge